The following is an entry in ClinVar:

ClinVar aggregate classification (germline): Uncertain significance (1 of 4 stars; one submission).

Conditions:
Malignant hyperthermia, susceptibility to, 5 (MHS5). Also called: CACNA1S-Related Malignant Hyperthermia Susceptibility. Identifiers: Orphanet 423, MedGen C1866077, MONDO:0011163, OMIM 601887.

Submission:

All of Us Research Program, National Institutes of Health
Classification: Uncertain significance for Malignant hyperthermia, susceptibility to, 5. Last evaluated: 2024-01-03. Review status: criteria provided, single submitter. Criteria: ACMG Guidelines, 2015. Collection method: clinical testing. Allele origin: germline. Inheritance: Autosomal dominant inheritance. Observed: 1 variant allele, 1 heterozygote.
Comment: This variant causes a deletion of 10 nucleotides in intron 28 splice acceptor site of the CACNA1S gene. To our knowledge, functional studies have not been reported for this variant. This variant has not been reported in individuals affected with CACNA1S-related disorders in the literature. This variant has not been identified in the general population by the Genome Aggregation Database (gnomAD). The available evidence is insufficient to determine the role of this variant in disease conclusively. Therefore, this variant is classified as a Variant of Uncertain Significance.

This study involves interpretation of variants in research participants for the purpose of population health screening. Participant phenotype was not available at the time of variant classification. Additional details can be found in publication PMID: 35346344, PMCID: PMC8962531

NM_000069.3(CACNA1S):c.3610-17_3610-8del

Gene: CACNA1S (calcium voltage-gated channel subunit alpha1 S; minus strand). Cytogenetic location: 1q32.1.
Variant type: Deletion.
Coding change: c.3610-17_3610-8del on transcript NM_000069.3 (MANE Select); 17 bases into the intron before coding-DNA position 3610 through 8 bases into the intron before coding-DNA position 3610, 10 bases deleted (GTCTCTTTTC; older notation c.3610-17_3610-8delGTCTCTTTTC).
Molecular consequence: intron variant.
Genome position (GRCh38, 1-based): chr1:201,054,569-201,054,578, GAAAAGAGAC deleted on the plus strand (GTCTCTTTTC on the coding strand, the reverse complement: CACNA1S is on the minus strand); deleting any 10 consecutive bases within chr1:201,054,569-201,054,581 gives the same sequence; the c. name uses the placement nearest the transcript's 3' end. VCF-style (leftmost placement, unchanged base first): chr1-201054568-AGAAAAGAGAC-A. GRCh37 (hg19) VCF-style: chr1-201023696-AGAAAAGAGAC-A.
Identifiers: ClinVar variation 3075265 (VCV003075265.1), dbSNP rs2464466760, ClinGen allele CA2825000901.